The following is an entry in ClinVar:

ClinVar aggregate classification (germline): Uncertain significance. Review status: criteria provided, multiple submitters, no conflicts (2 of 4 stars). 2 submissions from 2 submitters: Uncertain significance (2). Last evaluated 2025-07-12.

Conditions:
Fanconi anemia (FA). Also called: Fanconi's anemia. Identifiers: Orphanet 84, MedGen C0015625, MeSH D005199, MONDO:0019391.
Inborn genetic diseases. Identifiers: MedGen C0950123, MeSH D030342.

Allele frequency attached by ClinVar (database versions not stated): TOPMed 0.00001.

Submissions (2):

Ambry Genetics
Classification: Uncertain significance for Inborn genetic diseases. Last evaluated: 2025-07-12. Review status: criteria provided, single submitter. Criteria: Ambry Variant Classification Scheme 2023. Collection method: clinical testing. Allele origin: germline.
Comment: The p.S82N variant (also known as c.245G>A), located in coding exon 3 of the FANCA gene, results from a G to A substitution at nucleotide position 245. The serine at codon 82 is replaced by asparagine, an amino acid with highly similar properties. This amino acid position is conserved. In addition, this alteration is predicted to be tolerated by in silico analysis. Based on the available evidence, the clinical significance of this variant remains unclear.

Labcorp Genetics (formerly Invitae), Labcorp
Classification: Uncertain significance for Fanconi anemia. Last evaluated: 2022-05-11. Review status: criteria provided, single submitter. Criteria: Invitae Variant Classification Sherloc (09022015). Collection method: clinical testing. Allele origin: germline.
Comment: In summary, the available evidence is currently insufficient to determine the role of this variant in disease. Therefore, it has been classified as a Variant of Uncertain Significance. Advanced modeling of protein sequence and biophysical properties (such as structural, functional, and spatial information, amino acid conservation, physicochemical variation, residue mobility, and thermodynamic stability) performed at Invitae indicates that this missense variant is not expected to disrupt FANCA protein function. This variant has not been reported in the literature in individuals affected with FANCA-related conditions. This variant is not present in population databases (gnomAD no frequency). This sequence change replaces serine, which is neutral and polar, with asparagine, which is neutral and polar, at codon 82 of the FANCA protein (p.Ser82Asn).

NM_000135.4(FANCA):c.245G>A (p.Ser82Asn)

Gene: FANCA (FA complementation group A; minus strand). Cytogenetic location: 16q24.3.
Variant type: single nucleotide variant.
Coding change: c.245G>A on transcript NM_000135.4 (MANE Select); coding-DNA position 245, G replaced by A.
Protein change: p.Ser82Asn; replaces serine 82 with asparagine.
Molecular consequence: missense variant.
Genome position (GRCh38, 1-based): chr16:89,814,558, C>T on the plus strand (G>A on the coding strand, the complement: FANCA is on the minus strand). VCF-style: chr16-89814558-C-T. GRCh37 (hg19) VCF-style: chr16-89880966-C-T.
Other names: c.245G>A, p.Ser82Asn (NM_001018112.3, NM_001286167.3, NM_001351830.2); short protein forms S82N.
Identifiers: ClinVar variation 2199773 (VCV002199773.7), dbSNP rs1459045387, ClinGen allele CA397482500.